The following is an entry in ClinVar:

NM_001166114.2(PNPLA6):c.2923G>A (p.Gly975Arg)

Gene: PNPLA6 (patatin like phospholipase domain containing 6; plus strand). Cytogenetic location: 19p13.2.
Variant type: single nucleotide variant.
Coding change: c.2923G>A on transcript NM_001166114.2 (MANE Select); coding-DNA position 2923, G replaced by A.
Protein change: p.Gly975Arg; replaces glycine 975 with arginine.
Molecular consequence: missense variant.
Genome position (GRCh38, 1-based): chr19:7,555,354, G>A. VCF-style: chr19-7555354-G-A. GRCh37 (hg19) VCF-style: chr19-7620240-G-A.
Other names: c.2953G>A, p.Gly985Arg (NM_001166111.2); c.2728G>A, p.Gly910Arg (NM_001166112.2); c.2809G>A, p.Gly937Arg (NM_001166113.1, NM_006702.5); short protein forms G910R, G937R, G975R, G985R.
Identifiers: ClinVar variation 1329528 (VCV001329528.5), dbSNP rs2146104239, ClinGen allele CA403130957.
Genomic context (GRCh38, chr19:7,555,354, plus strand): 5'-AGCGACTTCTCCCGCTTGGCGAGGGTGCTCACGGGGAACACCATTGCCCTTGTGCTAGGC[G>A]GGGGCGGGGCCAGGTGAGGGCGGGGCTTGCTCTCTGGGGGCGGGGCCTGGATGTCCGAGG-3'
Protein context (NP_001159586.1, residues 965-985): TGNTIALVLG[Gly975Arg]GGARGCSHIG

ClinVar aggregate classification (germline): Uncertain significance. Review status: criteria provided, multiple submitters, no conflicts (2 of 4 stars). 2 submissions from 2 submitters: Uncertain significance (2). Last evaluated 2023-07-31.

Conditions:
Inborn genetic diseases. Identifiers: MedGen C0950123, MeSH D030342.

Submissions (2):

Ambry Genetics
Classification: Uncertain significance for Inborn genetic diseases. Last evaluated: 2023-07-31. Review status: criteria provided, single submitter. Criteria: Ambry Variant Classification Scheme 2023. Collection method: clinical testing. Allele origin: germline.

GeneDx
Classification: Uncertain significance. Last evaluated: 2023-03-11. Review status: criteria provided, single submitter. Criteria: GeneDx Variant Classification Process June 2021. Collection method: clinical testing. Allele origin: germline. Affected: yes.
Comment: Not observed at significant frequency in large population cohorts (gnomAD); In silico analysis supports that this missense variant has a deleterious effect on protein structure/function; Has not been previously published as pathogenic or benign to our knowledge; This variant is associated with the following publications: (PMID: 25359264, 25480986, 27535533)